The following is an entry in ClinVar:

ClinVar aggregate classification (germline): Uncertain significance (1 of 4 stars; one submission).

Allele frequency attached by ClinVar (database versions not stated): ExAC 0.00001; gnomAD 0.00001; TOPMed 0.00001.
gnomAD v4.1: 30 of 1,613,280 alleles (0.0019%); highest among the groups gnomAD compares: Non-Finnish European, 0.0023%; no homozygotes.

Submission:

Labcorp Genetics (formerly Invitae), Labcorp
Classification: Uncertain significance. Last evaluated: 2026-01-08. Review status: criteria provided, single submitter. Criteria: Invitae Variant Classification Sherloc (09022015). Collection method: clinical testing. Allele origin: germline.
Comment: This sequence change replaces proline, which is neutral and non-polar, with threonine, which is neutral and polar, at codon 99 of the TGFB1 protein (p.Pro99Thr). The frequency data for this variant in the population databases is considered unreliable, as metrics indicate poor data quality at this position in the gnomAD database. This variant has not been reported in the literature in individuals affected with TGFB1-related conditions. ClinVar contains an entry for this variant (Variation ID: 2877505). Invitae Evidence Modeling of protein sequence and biophysical properties (such as structural, functional, and spatial information, amino acid conservation, physicochemical variation, residue mobility, and thermodynamic stability) indicates that this missense variant is not expected to disrupt TGFB1 protein function with a negative predictive value of 80%. In summary, the available evidence is currently insufficient to determine the role of this variant in disease. Therefore, it has been classified as a Variant of Uncertain Significance.

NM_000660.7(TGFB1):c.295C>A (p.Pro99Thr)

Genes: TGFB1 (transforming growth factor beta 1; minus strand), LOC130064510 (ATAC-STARR-seq lymphoblastoid silent region 10661; plus strand). Cytogenetic location: 19q13.2.
Variant type: single nucleotide variant.
Coding change: c.295C>A on transcript NM_000660.7 (MANE Select); coding-DNA position 295, C replaced by A.
Protein change: p.Pro99Thr; replaces proline 99 with threonine.
Molecular consequence: missense variant.
Genome position (GRCh38, 1-based): chr19:41,352,750, G>T on the plus strand (C>A on the coding strand, the complement: TGFB1 is on the minus strand). VCF-style: chr19-41352750-G-T. GRCh37 (hg19) VCF-style: chr19-41858655-G-T.
Other names: short protein forms P99T.
Identifiers: ClinVar variation 2877505 (VCV002877505.3), dbSNP rs753186435, ClinGen allele CA9460147.